The following is an entry in ClinVar:

ClinVar aggregate classification (germline): Likely pathogenic. Review status: criteria provided, single submitter (1 of 4 stars). 2 submissions from 2 submitters: Likely pathogenic (1). 1 of the submissions does not count toward it. Last evaluated 2026-04-08.

Conditions:
Floating-Harbor syndrome (FLHS). Also called: Short stature with delayed bone age, expressive language delay, a triangular face with a prominent nose and deep-set eyes; Pelletier-Leisti syndrome; SRCAP-Related Floating-Harbor Syndrome. Identifiers: Orphanet 2044, MedGen C0729582, MONDO:0007621, OMIM 136140.

Submissions (2):

GeneDx
Classification: Likely pathogenic. Last evaluated: 2026-04-08. Review status: criteria provided, single submitter. Criteria: GeneDx Variant Classification Process June 2021. Collection method: clinical testing. Allele origin: germline.
Comment: Not observed at significant frequency in large population cohorts (gnomAD); Nonsense variant predicted to result in protein truncation, as the last 897 amino acid(s) are lost, and other loss-of-function variants have been reported downstream in HGMD; This variant is associated with the following publications: (PMID: 25433523, 32615693, 23763483)

OMIM
Classification: Pathogenic for FLOATING-HARBOR SYNDROME. Last evaluated: 2014-05-01. Review status: no assertion criteria provided. Collection method: literature only. Allele origin: germline. Not counted in ClinVar's aggregate classification.

Literature cited by the submitters: PubMed 23763483 (cited by OMIM).

NM_006662.3(SRCAP):c.7000C>T (p.Gln2334Ter)

Gene: SRCAP (Snf2 related CREBBP activator protein; plus strand). Cytogenetic location: 16p11.2.
Variant type: single nucleotide variant.
Coding change: c.7000C>T on transcript NM_006662.3 (MANE Select); coding-DNA position 7000, C replaced by T.
Protein change: p.Gln2334Ter; replaces glutamine 2334 with a stop codon.
Molecular consequence: nonsense.
Genome position (GRCh38, 1-based): chr16:30,736,616, C>T. VCF-style: chr16-30736616-C-T. GRCh37 (hg19) VCF-style: chr16-30747937-C-T.
Other names: c.7000C>T (NM_006662.2); short protein forms Q2334*.
Identifiers: ClinVar variation 144049 (VCV000144049.2), dbSNP rs587777656, ClinGen allele CA270632.
Genomic context (GRCh38, chr16:30,736,616, plus strand): 5'-CGCTATGCCATGAAATTCCTGGAGGCCTCACTGGAGGAGGTGAGCCGAGAGGAGCTCAAA[C>T]AGGCAGAAGTGAGTATTTCCAGGGGTGGGGCTGGCAGTTGGAAGCTGCTAATTTCTTTTT-3'